The following is an entry in ClinVar:

NM_000093.5(COL5A1):c.4954+6G>C

Genes: COL5A1 (collagen type V alpha 1 chain; plus strand), LOC101448202 (uncharacterized LOC101448202; minus strand). Cytogenetic location: 9q34.3.
Variant type: single nucleotide variant.
Coding change: c.4954+6G>C on transcript NM_000093.5 (MANE Select); 6 bases into the intron after coding-DNA position 4954, G replaced by C.
Molecular consequence: intron variant.
Genome position (GRCh38, 1-based): chr9:134,824,861, G>C. VCF-style: chr9-134824861-G-C. GRCh37 (hg19) VCF-style: chr9-137716707-G-C.
Other names: c.4954+6G>C (NM_001278074.1).
Identifiers: ClinVar variation 409095 (VCV000409095.9), dbSNP rs1031138847, ClinGen allele CA16612687.

ClinVar aggregate classification (germline): Uncertain significance. Review status: criteria provided, multiple submitters, no conflicts (2 of 4 stars). 3 submissions from 3 submitters: Uncertain significance (3). Last evaluated 2021-09-01.

Conditions:
Connective tissue disorder. Also called: Connective tissue disease. Identifiers: MedGen C0009782, MONDO:0003900.
Ehlers-Danlos syndrome, classic type, 1 (EDSCL1). Also called: EHLERS-DANLOS SYNDROME, GRAVIS TYPE; EHLERS-DANLOS SYNDROME, SEVERE CLASSIC TYPE; Ehlers-Danlos Syndrome, Classic Type, COL5A1-Related; EDS I; Ehlers-Danlos syndrome, type 1. Identifiers: MedGen C0268335, MONDO:0019567, OMIM 130000.

gnomAD v4.1: 2 of 1,608,790 alleles (0.00012%); highest among the groups gnomAD compares: Non-Finnish European, 0.00017%; no homozygotes.

Submissions (3):

Labcorp Genetics (formerly Invitae), Labcorp
Classification: Uncertain significance for Ehlers-Danlos syndrome, classic type, 1. Last evaluated: 2021-09-01. Review status: criteria provided, single submitter. Criteria: Invitae Variant Classification Sherloc (09022015). Collection method: clinical testing. Allele origin: germline.
Comment: This sequence change falls in intron 62 of the COL5A1 gene. It does not directly change the encoded amino acid sequence of the COL5A1 protein. It affects a nucleotide within the consensus splice site of the intron. This variant is not present in population databases (ExAC no frequency). This variant has not been reported in the literature in individuals affected with COL5A1-related conditions. ClinVar contains an entry for this variant (Variation ID: 409095). Variants that disrupt the consensus splice site are a relatively common cause of aberrant splicing (PMID: 17576681, 9536098). Algorithms developed to predict the effect of sequence changes on RNA splicing suggest that this variant is not likely to affect RNA splicing. In summary, the available evidence is currently insufficient to determine the role of this variant in disease. Therefore, it has been classified as a Variant of Uncertain Significance.

GeneDx
Classification: Uncertain significance. Last evaluated: 2019-09-24. Review status: criteria provided, single submitter. Criteria: GeneDx Variant Classification Process June 2021. Collection method: clinical testing. Allele origin: germline. Affected: yes.
Comment: Not observed in large population cohorts (Lek et al., 2016); In silico analysis, which includes splice predictors and evolutionary conservation, supports that this variant does not alter protein structure/function; Has not been previously published as pathogenic or benign to our knowledge

Center for Human Genetics, Inc
Classification: Uncertain significance for Connective tissue disorder. Last evaluated: 2016-11-01. Review status: criteria provided, single submitter. Criteria: ACMG Guidelines, 2015. Collection method: clinical testing. Allele origin: germline. Affected: yes.

Literature cited by the submitters: PubMed 17576681 (cited by Labcorp Genetics (formerly Invitae), Labcorp); PubMed 9536098 (cited by Labcorp Genetics (formerly Invitae), Labcorp).